The following is an entry in ClinVar:

NM_000298.6(PKLR):c.1217G>A (p.Gly406Glu)

Gene: PKLR (pyruvate kinase L/R; minus strand). Cytogenetic location: 1q22.
Variant type: single nucleotide variant.
Coding change: c.1217G>A on transcript NM_000298.6 (MANE Select); coding-DNA position 1217, G replaced by A.
Protein change: p.Gly406Glu; replaces glycine 406 with glutamic acid.
Molecular consequence: missense variant.
Genome position (GRCh38, 1-based): chr1:155,293,490, C>T on the plus strand (G>A on the coding strand, the complement: PKLR is on the minus strand). VCF-style: chr1-155293490-C-T. GRCh37 (hg19) VCF-style: chr1-155263281-C-T.
Other names: c.1124G>A, p.Gly375Glu (NM_181871.4); short protein forms G375E, G406E.
Identifiers: ClinVar variation 1687454 (VCV001687454.1), dbSNP rs779817999, ClinGen allele CA1144070.

ClinVar aggregate classification (germline): Uncertain significance (1 of 4 stars; one submission).

Conditions:
Pyruvate kinase deficiency of red cells (CNSHA2). Also called: Pyruvate kinase deficiency, Amish type; PK DEFICIENCY; PYRUVATE KINASE DEFICIENCY OF ERYTHROCYTE. Identifiers: Orphanet 766, MedGen C0340968, MONDO:0009950, OMIM 266200.

Allele frequency attached by ClinVar (database versions not stated): gnomAD 0.00001; ExAC 0.00003.
gnomAD v4.1: 17 of 1,614,122 alleles (0.0011%); highest among the groups gnomAD compares: South Asian, 0.0033%; no homozygotes.

Submission:

3billion
Classification: Uncertain significance for Pyruvate kinase deficiency of red cells. Last evaluated: 2022-05-22. Review status: criteria provided, single submitter. Criteria: ACMG Guidelines, 2015. Collection method: clinical testing. Allele origin: germline. Affected: yes. Observed: 1 heterozygote.
Comment: The variant is observed at an extremely low frequency in the gnomAD v2.1.1 dataset (total allele frequency: 0.002%). Missense changes are a common disease-causing mechanism. In silico tool predictions suggest damaging effect of the variant on gene or gene product (REVEL: 0.94; 3Cnet: 0.79). A different missense change at the same codon (p.Gly406Arg) has been reported to be associated with PKLR related disorder (PMID: 18759866). However the evidence of pathogenicity is insufficient at this time. Therefore, this variant is classified as uncertain significanceaccording to the recommendation of ACMG/AMP guideline.

Literature cited by the submitters: PubMed 18759866.